The following is an entry in ClinVar:

NM_024876.4(COQ8B):c.923G>A (p.Arg308Gln)

Gene: COQ8B (coenzyme Q8B; minus strand). Cytogenetic location: 19q13.2.
Variant type: single nucleotide variant.
Coding change: c.923G>A on transcript NM_024876.4 (MANE Select); coding-DNA position 923, G replaced by A.
Protein change: p.Arg308Gln; replaces arginine 308 with glutamine.
Molecular consequence: missense variant.
Genome position (GRCh38, 1-based): chr19:40,700,422, C>T on the plus strand (G>A on the coding strand, the complement: COQ8B is on the minus strand). VCF-style: chr19-40700422-C-T. GRCh37 (hg19) VCF-style: chr19-41206327-C-T.
Other names: c.800G>A, p.Arg267Gln (NM_001142555.3); short protein forms R267Q, R308Q.
Identifiers: ClinVar variation 1315045 (VCV001315045.2), dbSNP rs147037877, ClinGen allele CA9450209.

ClinVar aggregate classification (germline): Uncertain significance (1 of 4 stars; one submission).

Allele frequency attached by ClinVar (database versions not stated): ExAC 0.00002; gnomAD 0.00002; gnomAD exomes 0.00002; TOPMed 0.00003; ESP Exome Variant Server 0.00008.
gnomAD v4.1: 17 of 1,613,714 alleles (0.0011%); highest among the groups gnomAD compares: African/African-American, 0.0053%; no homozygotes.

Submission:

GeneDx
Classification: Uncertain significance. Last evaluated: 2020-01-30. Review status: criteria provided, single submitter. Criteria: GeneDx Variant Classification Process June 2021. Collection method: clinical testing. Allele origin: germline. Affected: yes.
Comment: Has not been previously published as pathogenic or benign to our knowledge; In silico analysis, which includes splice predictors and evolutionary conservation, suggests this variant may impact gene splicing. In the absence of RNA/functional studies, the actual effect of this sequence change is unknown.; In silico analysis, which includes protein predictors and evolutionary conservation, supports that this variant does not alter protein structure/function